The following is an entry in ClinVar:

ClinVar aggregate classification (germline): Pathogenic (1 of 4 stars; one submission).

Conditions:
Neuromuscular disease caused by qualitative or quantitative defects of dystrophin. Also called: Qualitative or quantitative defects of dystrophin. Identifiers: Orphanet 207085, MedGen C5679787, MONDO:0016147.

Submission:

Women's Health and Genetics/Laboratory Corporation of America, LabCorp
Classification: Pathogenic for Dystrophinopathies. Last evaluated: 2020-05-21. Review status: criteria provided, single submitter. Criteria: LabCorp Variant Classification Summary - May 2015. Collection method: clinical testing. Allele origin: germline.
Comment: Variant summary: The variant identified by MLPA or other technology involves the deletion of exon 49 in the DMD gene. A presumed nomenclature of c.(7098+1_7099-1)_(7200+1_7201-1)del has been designated for the purposes of this classification. Although exact breakpoints of this deletion are not known, it is expected to result in a large in-frame deletion in the DMD gene, a known mechanism of disease. The variant was absent in 16117 control chromosomes (gnomAD). c.(7098+1_7099-1)_(7200+1_7201-1)del has been reported in the literature in individuals affected with Dystrophinopathies (Giliberto_2004, Mital_1998, Zamani_2015). These data indicate that the variant may be associated with disease. To our knowledge, no experimental evidence demonstrating an impact on protein function has been reported. One ClinVar submitter (evaluation after 2014) cite the variant as pathogenic. Based on the evidence outlined above, the variant was classified as pathogenic.

Literature cited by the submitters: PubMed 9619643; PubMed 14977063; PubMed 26081009.

NC_000023.11:g.(31820084_31836717)_(31836820_31875187)del

Gene: DMD (dystrophin; minus strand). Cytogenetic location: Xp21.1.
Variant type: Deletion.
Identifiers: ClinVar variation 981975 (VCV000981975.1).